The following is an entry in ClinVar:

NM_005245.4(FAT1):c.10626G>A (p.Pro3542=)

Genes: FAT1 (FAT atypical cadherin 1; minus strand), LOC126807254 (BRD4-independent group 4 enhancer GRCh37_chr4:187524269-187525468; plus strand). Cytogenetic location: 4q35.2.
Variant type: single nucleotide variant.
Coding change: c.10626G>A on transcript NM_005245.4 (MANE Select); coding-DNA position 10626, G replaced by A.
Protein change: p.Pro3542=; no amino-acid change (proline 3542 retained).
Molecular consequence: synonymous variant.
Genome position (GRCh38, 1-based): chr4:186,603,900, C>T on the plus strand (G>A on the coding strand, the complement: FAT1 is on the minus strand). VCF-style: chr4-186603900-C-T. GRCh37 (hg19) VCF-style: chr4-187525054-C-T.
Other names: p.Pro3542=; c.10626G>A (NM_005245.3).
Identifiers: ClinVar variation 2717299 (VCV002717299.7), dbSNP rs773450673, ClinGen allele CA3165303.
Genomic context (GRCh38, chr4:186,603,900, plus strand): 5'-GCCACCTGAGTATTCTTCTCCAGAAGAGGTGATGAAAATCTCCAGGGGCAAAATCGCAGG[C>T]GGATAGATGCTCTCCTCAATTACCCTAATGTCAATGTATGTCAAAGATGACAACTGAGGC-3'
Protein context (NP_005236.2, residues 3532-3552): DIRVIEESIY[Pro3542=]PAILPLEIFI

ClinVar aggregate classification (germline): Likely benign. Review status: criteria provided, multiple submitters, no conflicts (2 of 4 stars). 4 submissions from 4 submitters: Likely benign (3). 1 of the submissions does not count toward it. Last evaluated 2025-12-20.

Conditions:
FAT1-related disorder. Also called: FAT1-related condition.

Allele frequency attached by ClinVar (database versions not stated): gnomAD 0.00007; ExAC 0.00010; TOPMed 0.00011; gnomAD exomes 0.00012.
gnomAD v4.1: 187 of 1,613,716 alleles (0.012%); highest among the groups gnomAD compares: East Asian, 0.02%; no homozygotes.

Submissions (4):

Labcorp Genetics (formerly Invitae), Labcorp
Classification: Likely benign. Last evaluated: 2025-12-20. Review status: criteria provided, single submitter. Criteria: Invitae Variant Classification Sherloc (09022015). Collection method: clinical testing. Allele origin: germline.

Mayo Clinic Laboratories, Mayo Clinic
Classification: Likely benign. Last evaluated: 2025-11-20. Review status: criteria provided, single submitter. Criteria: ACMG Guidelines, 2015. Collection method: clinical testing. Allele origin: germline. Observed: 1 variant allele.
Comment: BP4, BP7

Laboratory of Genetics, Children's Clinical University Hospital Latvia
Classification: Likely benign. Last evaluated: 2025-02-16. Review status: criteria provided, single submitter. Criteria: ACMG Guidelines, 2015. Collection method: clinical testing. Allele origin: germline. Affected: yes.

PreventionGenetics, part of Exact Sciences
Classification: Likely benign for FAT1-related condition. Last evaluated: 2023-12-05. Review status: no assertion criteria provided. Collection method: clinical testing. Allele origin: germline. Not counted in ClinVar's aggregate classification.
Comment: This variant is classified as likely benign based on ACMG/AMP sequence variant interpretation guidelines (Richards et al. 2015 PMID: 25741868, with internal and published modifications).